The following is an entry in ClinVar:

ClinVar aggregate classification (germline): Uncertain significance. Review status: criteria provided, multiple submitters, no conflicts (2 of 4 stars). 2 submissions from 2 submitters: Uncertain significance (2). Last evaluated 2022-11-17.

Conditions:
Hereditary hemorrhagic telangiectasia (HHT). Also called: Osler hemorrhagic telangiectasia syndrome; ORW DISEASE; Osler Weber Rendu syndrome; OSLER-RENDU-WEBER DISEASE. Identifiers: Orphanet 774, MedGen C0039445, MONDO:0019180. Disease mechanism: loss of function.

Submissions (2):

Blueprint Genetics
Classification: Uncertain significance. Last evaluated: 2022-11-17. Review status: criteria provided, single submitter. Criteria: ACMG Guidelines, 2015. Collection method: clinical testing. Allele origin: germline.

Labcorp Genetics (formerly Invitae), Labcorp
Classification: Uncertain significance for Hereditary hemorrhagic telangiectasia. Last evaluated: 2020-09-04. Review status: criteria provided, single submitter. Criteria: Invitae Variant Classification Sherloc (09022015). Collection method: clinical testing. Allele origin: germline.
Comment: In summary, the available evidence is currently insufficient to determine the role of this variant in disease. Therefore, it has been classified as a Variant of Uncertain Significance. Algorithms developed to predict the effect of missense changes on protein structure and function are either unavailable or do not agree on the potential impact of this missense change (SIFT: "Tolerated"; PolyPhen-2: "Possibly Damaging"; Align-GVGD: "Class C0"). This variant has not been reported in the literature in individuals with ENG-related conditions. This variant is not present in population databases (ExAC no frequency). This sequence change replaces threonine with proline at codon 385 of the ENG protein (p.Thr385Pro). The threonine residue is weakly conserved and there is a small physicochemical difference between threonine and proline.

NM_001114753.3(ENG):c.1153A>C (p.Thr385Pro)

Genes: ENG (endoglin; minus strand), LOC102723566 (uncharacterized LOC102723566; plus strand). Cytogenetic location: 9q34.11.
Variant type: single nucleotide variant.
Coding change: c.1153A>C on transcript NM_001114753.3 (MANE Select); coding-DNA position 1153, A replaced by C.
Protein change: p.Thr385Pro; replaces threonine 385 with proline.
Molecular consequence: missense variant.
Genome position (GRCh38, 1-based): chr9:127,820,019, T>G on the plus strand (A>C on the coding strand, the complement: ENG is on the minus strand). VCF-style: chr9-127820019-T-G. GRCh37 (hg19) VCF-style: chr9-130582298-T-G.
Other names: c.1153A>C, p.Thr385Pro (NM_000118.4); c.607A>C, p.Thr203Pro (NM_001278138.2); short protein forms T385P, T203P.
Identifiers: ClinVar variation 1042034 (VCV001042034.11), dbSNP rs1830434864, ClinGen allele CA374978821.